The following is an entry in ClinVar:

NM_024596.5(MCPH1):c.2214+32439C>G

Genes: ANGPT2 (angiopoietin 2; minus strand), MCPH1 (microcephalin 1; plus strand). Cytogenetic location: 8p23.1.
Variant type: single nucleotide variant.
Coding change: c.2214+32439C>G on transcript NM_024596.5 (MANE Select); 32439 bases into the intron after coding-DNA position 2214, C replaced by G.
Molecular consequence: intron variant. On other transcripts: synonymous variant (4).
Genome position (GRCh38, 1-based): chr8:6,532,368, C>G. VCF-style: chr8-6532368-C-G. GRCh37 (hg19) VCF-style: chr8-6389889-C-G.
Other names: c.408G>C, p.Ala136= (NM_001118887.2, NM_001147.3, NM_001386336.1 and 1 more transcripts); c.2214+32439C>G (NM_001322042.2, NM_001363979.1, NM_001410917.1); c.1935+77116C>G (NM_001363980.2); c.2215-13094C>G (NM_001410916.1); c.289-4692G>C (NM_001386335.1, NM_001118888.2).
Identifiers: ClinVar variation 158840 (VCV000158840.10), dbSNP rs6559167, ClinGen allele CA172512.
Genomic context (GRCh38, chr8:6,532,368, plus strand): 5'-TGTGCTTTATGTGGCATTACTTACTTGGGCTTCCACATCAGTTAACTTCCGCGTTTGCTC[C>G]GCTGTTTGGTTCAACAGGTTTGTCCCTATTTCTATCATCACAGCCGTCTGGTTCTGTACT-3'

ClinVar aggregate classification (germline): Benign. Review status: criteria provided, single submitter (1 of 4 stars). 4 submissions from 4 submitters: Benign (1). 3 of the submissions do not count toward it.

Allele frequency attached by ClinVar (database versions not stated): 1000 Genomes Project 30x 0.36165; 1000 Genomes Project 0.37440.
gnomAD v4.1: 486,481 of 1,613,646 alleles (30%); highest among the groups gnomAD compares: South Asian, 46%; 76,320 homozygotes.

Submissions (4):

Breakthrough Genomics
Classification: Benign. Review status: criteria provided, single submitter. Criteria: ACMG Guidelines, 2015. Collection method: not provided. Allele origin: germline. Inheritance: Autosomal recessive inheritance. Affected: yes.

Clinical Genetics DNA and cytogenetics Diagnostics Lab, Erasmus MC, Erasmus Medical Center
Classification: Benign. Review status: no assertion criteria provided. Collection method: clinical testing. Allele origin: germline. Affected: yes. Study: VKGL Data-share Consensus. Not counted in ClinVar's aggregate classification.

Clinical Genetics, Academic Medical Center
Classification: Benign. Review status: no assertion criteria provided. Collection method: clinical testing. Allele origin: germline. Affected: yes. Study: VKGL Data-share Consensus. Not counted in ClinVar's aggregate classification.

Genetic Services Laboratory, University of Chicago
Classification: Likely benign. Review status: no assertion criteria provided. Collection method: clinical testing. Allele origin: germline. Inheritance: Autosomal recessive inheritance. Not counted in ClinVar's aggregate classification.
Comment: Likely benign based on allele frequency in 1000 Genomes Project or ESP global frequency and its presence in a patient with a rare or unrelated disease phenotype. NOT Sanger confirmed